The following is an entry in ClinVar:

NM_001854.4(COL11A1):c.1961T>C (p.Leu654Pro)

Gene: COL11A1 (collagen type XI alpha 1 chain; minus strand). Cytogenetic location: 1p21.1.
Variant type: single nucleotide variant.
Coding change: c.1961T>C on transcript NM_001854.4 (MANE Select); coding-DNA position 1961, T replaced by C.
Protein change: p.Leu654Pro; replaces leucine 654 with proline.
Molecular consequence: missense variant. On other transcripts: non-coding transcript variant (1).
Genome position (GRCh38, 1-based): chr1:103,003,252, A>G on the plus strand (T>C on the coding strand, the complement: COL11A1 is on the minus strand). VCF-style: chr1-103003252-A-G. GRCh37 (hg19) VCF-style: chr1-103468808-A-G.
Other names: c.1844T>C, p.Leu615Pro (NM_001190709.2); c.1997T>C, p.Leu666Pro (NM_080629.3); c.1613T>C, p.Leu538Pro (NM_080630.4); short protein forms L654P, L666P, L538P, L615P.
Identifiers: ClinVar variation 429552 (VCV000429552.2), dbSNP rs1131691449, ClinGen allele CA341171764.

ClinVar aggregate classification (germline): Uncertain significance (1 of 4 stars; one submission).

Submission:

GeneDx
Classification: Uncertain significance. Last evaluated: 2017-05-04. Review status: criteria provided, single submitter. Criteria: GeneDx Variant Classification (06012015). Collection method: clinical testing. Allele origin: germline. Affected: yes.
Comment: The L654P variant in the COL11A1 gene has not been reported previously as a pathogenic variant, nor as a benign variant, to our knowledge. The L654P variant is not observed in large population cohorts (Lek et al., 2016; 1000 Genomes Consortium et al., 2015; Exome Variant Server). The L654P variant is a semi-conservative amino acid substitution, which may impact secondary protein structure as these residues differ in some properties. This substitution occurs at a position that is conserved across species, and in silico analysis predicts this variant is probably damaging to the protein structure/function. We interpret L654P as a variant of uncertain significance.